The following is an entry in ClinVar:

ClinVar aggregate classification (germline): Uncertain significance (1 of 4 stars; one submission).

Submission:

Labcorp Genetics (formerly Invitae), Labcorp
Classification: Uncertain significance. Last evaluated: 2022-03-04. Review status: criteria provided, single submitter. Criteria: Invitae Variant Classification Sherloc (09022015). Collection method: clinical testing. Allele origin: germline.
Comment: This sequence change replaces methionine, which is neutral and non-polar, with isoleucine, which is neutral and non-polar, at codon 65 of the TRAPPC6B protein (p.Met65Ile). This variant is not present in population databases (gnomAD no frequency). This variant has not been reported in the literature in individuals affected with TRAPPC6B-related conditions. Algorithms developed to predict the effect of missense changes on protein structure and function (SIFT, PolyPhen-2, Align-GVGD) all suggest that this variant is likely to be tolerated. In summary, the available evidence is currently insufficient to determine the role of this variant in disease. Therefore, it has been classified as a Variant of Uncertain Significance.

NM_001079537.2(TRAPPC6B):c.195G>A (p.Met65Ile)

Gene: TRAPPC6B (trafficking protein particle complex subunit 6B; minus strand). Cytogenetic location: 14q21.1.
Variant type: single nucleotide variant.
Coding change: c.195G>A on transcript NM_001079537.2 (MANE Select); coding-DNA position 195, G replaced by A.
Protein change: p.Met65Ile; replaces methionine 65 with isoleucine.
Molecular consequence: missense variant.
Genome position (GRCh38, 1-based): chr14:39,158,357, C>T on the plus strand (G>A on the coding strand, the complement: TRAPPC6B is on the minus strand). VCF-style: chr14-39158357-C-T. GRCh37 (hg19) VCF-style: chr14-39627561-C-T.
Other names: c.195G>A, p.Met65Ile (NM_177452.4); short protein forms M65I.
Identifiers: ClinVar variation 2054759 (VCV002054759.4), dbSNP rs2548691123, ClinGen allele CA389553187.
Genomic context (GRCh38, chr14:39,158,357, plus strand): 5'-CCTTAGATTGTCGATTTGTTTCTTGAATACCGTAGTCCAAAAATCTTTACAAATGAACTT[C>T]ATGATATCTAACTCATCCTTGAACCTTGCAGTATCTTTTGTAAACCTAAAAAGATCAACT-3'
Protein context (NP_001073005.1, residues 55-75): TARFKDELDI[Met65Ile]KFICKDFWTT